The following is an entry in ClinVar:

NM_000891.3(KCNJ2):c.-228C>T

Gene: KCNJ2 (potassium inwardly rectifying channel subfamily J member 2; plus strand). Cytogenetic location: 17q24.3.
Variant type: single nucleotide variant.
Coding change: c.-228C>T on transcript NM_000891.3 (MANE Select); 228 bases upstream of the start codon, C replaced by T.
Molecular consequence: 5 prime UTR variant.
Genome position (GRCh38, 1-based): chr17:70,169,690, C>T. VCF-style: chr17-70169690-C-T. GRCh37 (hg19) VCF-style: chr17-68165831-C-T.
Identifiers: ClinVar variation 324825 (VCV000324825.5), dbSNP rs765064661, ClinGen allele CA10649953.

ClinVar aggregate classification (germline): Conflicting classifications of pathogenicity. Review status: criteria provided, conflicting classifications (1 of 4 stars). 4 submissions from 2 submitters: Uncertain significance (3); Likely benign (1). Last evaluated 2018-01-12.

Conditions:
Atrial fibrillation, familial, 9 (ATFB9). Identifiers: MedGen C3151431, MONDO:0013513, OMIM 613980.
Andersen Tawil syndrome (LQT7). Also called: Potassium-sensitive periodic paralysis, ventricular ectopy, and dysmorphic features; ANDERSEN CARDIODYSRHYTHMIC PERIODIC PARALYSIS; LONG QT SYNDROME 7; PERIODIC PARALYSIS, POTASSIUM-SENSITIVE CARDIODYSRHYTHMIC TYPE; Andersen Syndrome. Identifiers: Orphanet 37553, MedGen C1563715, MONDO:0008222, OMIM 170390.
Short QT syndrome type 3. Identifiers: Orphanet 51083, MedGen C1865018, MONDO:0012314, OMIM 609622.

Allele frequency attached by ClinVar (database versions not stated): gnomAD 0.00022 and 0.00023; TOPMed 0.00023.
gnomAD v4.1: 35 of 153,774 alleles (0.023%); highest among the groups gnomAD compares: Non-Finnish European, 0.036%; no homozygotes.

Submissions (4):

Illumina Laboratory Services, Illumina
Classification: Uncertain significance for Short QT syndrome type 3. Last evaluated: 2018-01-12. Review status: criteria provided, single submitter. Criteria: ICSL Variant Classification Criteria 13 December 2019. Collection method: clinical testing. Allele origin: germline.

Illumina Laboratory Services, Illumina
Classification: Uncertain significance for Atrial fibrillation, familial, 9. Last evaluated: 2018-01-12. Review status: criteria provided, single submitter. Criteria: ICSL Variant Classification Criteria 13 December 2019. Collection method: clinical testing. Allele origin: germline.

Illumina Laboratory Services, Illumina
Classification: Uncertain significance for Andersen Tawil syndrome. Last evaluated: 2018-01-12. Review status: criteria provided, single submitter. Criteria: ICSL Variant Classification Criteria 13 December 2019. Collection method: clinical testing. Allele origin: germline.

GeneDx
Classification: Likely benign. Last evaluated: 2016-07-05. Review status: criteria provided, single submitter. Criteria: GeneDx Variant Classification (06012015). Collection method: clinical testing. Allele origin: germline. Affected: yes.
Comment: This variant is considered likely benign or benign based on one or more of the following criteria: it is a conservative change, it occurs at a poorly conserved position in the protein, it is predicted to be benign by multiple in silico algorithms, and/or has population frequency not consistent with disease.